The following is an entry in ClinVar:

ClinVar aggregate classification (germline): Benign. Review status: criteria provided, multiple submitters, no conflicts (2 of 4 stars). 3 submissions from 3 submitters: Benign (3). Last evaluated 2026-01-06.

Allele frequency attached by ClinVar (database versions not stated): ESP Exome Variant Server 0.00017; gnomAD 0.00155 and 0.00251; gnomAD exomes 0.00234 and 0.00528; TOPMed 0.00284; ExAC 0.00529; 1000 Genomes Project 30x 0.01031; 1000 Genomes Project 0.01118.
gnomAD v4.1: 3,821 of 1,613,902 alleles (0.24%); highest among the groups gnomAD compares: East Asian, 6.7%; 112 homozygotes.

Submissions (3):

Labcorp Genetics (formerly Invitae), Labcorp
Classification: Benign. Last evaluated: 2026-01-06. Review status: criteria provided, single submitter. Criteria: Invitae Variant Classification Sherloc (09022015). Collection method: clinical testing. Allele origin: germline.

GeneDx
Classification: Benign. Last evaluated: 2017-05-09. Review status: criteria provided, single submitter. Criteria: GeneDx Variant Classification (06012015). Collection method: clinical testing. Allele origin: germline. Affected: yes.
Comment: This variant is considered likely benign or benign based on one or more of the following criteria: it is a conservative change, it occurs at a poorly conserved position in the protein, it is predicted to be benign by multiple in silico algorithms, and/or has population frequency not consistent with disease.

Breakthrough Genomics
Classification: Benign. Review status: criteria provided, single submitter. Criteria: ACMG Guidelines, 2015. Collection method: not provided. Allele origin: germline. Inheritance: Autosomal dominant inheritance. Affected: yes.

NM_001042517.2(DIAPH3):c.2475T>C (p.Thr825=)

Gene: DIAPH3 (diaphanous related formin 3; minus strand). Cytogenetic location: 13q21.2.
Variant type: single nucleotide variant.
Coding change: c.2475T>C on transcript NM_001042517.2 (MANE Select); coding-DNA position 2475, T replaced by C.
Protein change: p.Thr825=; no amino-acid change (threonine 825 retained).
Molecular consequence: synonymous variant.
Genome position (GRCh38, 1-based): chr13:59,879,361, A>G on the plus strand (T>C on the coding strand, the complement: DIAPH3 is on the minus strand). VCF-style: chr13-59879361-A-G. GRCh37 (hg19) VCF-style: chr13-60453495-A-G.
Other names: c.2442T>C, p.Thr814= (NM_001258366.2); c.2337T>C, p.Thr779= (NM_001258367.2); c.2265T>C, p.Thr755= (NM_001258368.2); c.2475T>C, p.Thr825= (NM_001258369.2); c.1686T>C, p.Thr562= (NM_001258370.2, NM_030932.4).
Identifiers: ClinVar variation 509516 (VCV000509516.12), dbSNP rs74734305, ClinGen allele CA6996374.